The following is an entry in ClinVar:

NM_004281.4(BAG3):c.448C>T (p.Gln150Ter)

Gene: BAG3 (BAG cochaperone 3; plus strand). Cytogenetic location: 10q26.11.
Variant type: single nucleotide variant.
Coding change: c.448C>T on transcript NM_004281.4 (MANE Select); coding-DNA position 448, C replaced by T.
Protein change: p.Gln150Ter; replaces glutamine 150 with a stop codon.
Molecular consequence: nonsense.
Genome position (GRCh38, 1-based): chr10:119,670,118, C>T. VCF-style: chr10-119670118-C-T. GRCh37 (hg19) VCF-style: chr10-121429630-C-T.
Other names: short protein forms Q150*.
Identifiers: ClinVar variation 2943550 (VCV002943550.3), dbSNP rs2494009729, ClinGen allele CA378295115.

ClinVar aggregate classification (germline): Pathogenic (1 of 4 stars; one submission).

Conditions:
Dilated cardiomyopathy 1HH (CMD1HH). Identifiers: Orphanet 154, MedGen C3151293, MONDO:0013479, OMIM 613881.
Myofibrillar myopathy 6. Identifiers: Orphanet 199340, MedGen C2751831, MONDO:0013061, OMIM 612954.

Submission:

Labcorp Genetics (formerly Invitae), Labcorp
Classification: Pathogenic for Dilated cardiomyopathy 1HH; Myofibrillar myopathy 6. Last evaluated: 2023-01-23. Review status: criteria provided, single submitter. Criteria: Invitae Variant Classification Sherloc (09022015). Collection method: clinical testing. Allele origin: germline.
Comment: For these reasons, this variant has been classified as Pathogenic. This variant has not been reported in the literature in individuals affected with BAG3-related conditions. This variant is not present in population databases (gnomAD no frequency). This sequence change creates a premature translational stop signal (p.Gln150*) in the BAG3 gene. It is expected to result in an absent or disrupted protein product. Loss-of-function variants in BAG3 are known to be pathogenic (PMID: 21353195, 25008357).

Literature cited by the submitters: PubMed 21353195; PubMed 25008357.